The following is an entry in ClinVar:

ClinVar aggregate classification (germline): Uncertain significance (1 of 4 stars; one submission).

Submission:

GeneDx
Classification: Uncertain significance. Last evaluated: 2026-04-10. Review status: criteria provided, single submitter. Criteria: GeneDx Variant Classification Process June 2021. Collection method: clinical testing. Allele origin: germline.
Comment: Not observed at significant frequency in large population cohorts (gnomAD); In silico analysis suggests that this missense variant does not alter protein structure/function; Has not been previously published as pathogenic or benign to our knowledge

NM_001297719.2(BMAL1):c.1588C>T (p.Pro530Ser)

Gene: BMAL1 (basic helix-loop-helix ARNT like 1; plus strand). Cytogenetic location: 11p15.3.
Variant type: single nucleotide variant.
Coding change: c.1588C>T on transcript NM_001297719.2 (MANE Select); coding-DNA position 1588, C replaced by T.
Protein change: p.Pro530Ser; replaces proline 530 with serine.
Molecular consequence: missense variant. On other transcripts: non-coding transcript variant (7).
Genome position (GRCh38, 1-based): chr11:13,381,225, C>T. VCF-style: chr11-13381225-C-T. GRCh37 (hg19) VCF-style: chr11-13402772-C-T.
Other names: c.1585C>T, p.Pro529Ser (NM_001351815.2, NM_001030272.3, NM_001178.6 and 1 more transcripts); c.1459C>T, p.Pro487Ser (NM_001351816.2, NM_001351820.2, NM_001351821.2 and 3 more transcripts); c.1234C>T, p.Pro412Ser (NM_001351817.2, NM_001351810.2); c.1456C>T, p.Pro486Ser (NM_001351818.2, NM_001030273.3); c.1600C>T, p.Pro534Ser (NM_001351819.2); c.1474C>T, p.Pro492Ser (NM_001351823.2); c.1588C>T, p.Pro530Ser (NM_001351824.2, NM_001297722.2); c.1537C>T, p.Pro513Ser (NM_001351812.2, NM_001351809.2); and 5 more; short protein forms P280S, P412S, P486S, P487S, P491S, P492S, P513S, P516S.
Identifiers: ClinVar variation 5018409 (VCV005018409.1).
Genomic context (GRCh38, chr11:13,381,225, plus strand): 5'-AGAGGGTCATCGCCTTCTAGCTGTGGCTCCAGCCCATTGAACATCACGAGTACGCCTCCC[C>T]CTGATGCCTCTTCTCCAGGAGGCAAGAAGGTAAGACTGATGATTCTTAGCCTAAGCTAGA-3'
Protein context (NP_001284648.1, residues 520-540): SPLNITSTPP[Pro530Ser]DASSPGGKKI